The following is an entry in ClinVar:

NM_001698.3(AUH):c.547G>A (p.Ala183Thr)

Gene: AUH (AU RNA binding methylglutaconyl-CoA hydratase; minus strand). Cytogenetic location: 9q22.31.
Variant type: single nucleotide variant.
Coding change: c.547G>A on transcript NM_001698.3 (MANE Select); coding-DNA position 547, G replaced by A.
Protein change: p.Ala183Thr; replaces alanine 183 with threonine.
Molecular consequence: missense variant.
Genome position (GRCh38, 1-based): chr9:91,298,035, C>T on the plus strand (G>A on the coding strand, the complement: AUH is on the minus strand). VCF-style: chr9-91298035-C-T. GRCh37 (hg19) VCF-style: chr9-94060317-C-T.
Other names: c.460G>A, p.Ala154Thr (NM_001306190.2); c.220G>A, p.Ala74Thr (NM_001351431.2, NM_001351432.2, NM_001351433.2); short protein forms A154T, A183T, A74T.
Identifiers: ClinVar variation 1426429 (VCV001426429.3), dbSNP rs548411527, ClinGen allele CA5119820.
Genomic context (GRCh38, chr9:91,298,035, plus strand): 5'-AATTCTTACCTGCTACTCGTATATCACAGGCTAAAGCCAGTTCAAGACCACCACCTAAAG[C>T]GAGTCCATCTATTGCTGCAATTGTTGGTACTGGAAGATTAGCTGAAATGGAAAGAAAATT-3'
Protein context (NP_001689.1, residues 173-193): VPTIAAIDGL[Ala183Thr]LGGGLELALA

ClinVar aggregate classification (germline): Uncertain significance (1 of 4 stars; one submission).

Conditions:
3-methylglutaconic aciduria type 1 (MGCA1). Identifiers: Orphanet 67046, MedGen C0342727, MONDO:0009610, OMIM 250950.

Allele frequency attached by ClinVar (database versions not stated): gnomAD exomes 0.00002 and 0.00001; gnomAD 0.00002 and 0.00001; ExAC 0.00004; 1000 Genomes Project 30x 0.00016; TOPMed 0.00002; 1000 Genomes Project 0.00020.
gnomAD v4.1: 20 of 1,613,988 alleles (0.0012%); highest among the groups gnomAD compares: East Asian, 0.0045%; no homozygotes.

Submission:

Labcorp Genetics (formerly Invitae), Labcorp
Classification: Uncertain significance for 3-methylglutaconic aciduria type 1. Last evaluated: 2021-12-02. Review status: criteria provided, single submitter. Criteria: Invitae Variant Classification Sherloc (09022015). Collection method: clinical testing. Allele origin: germline.
Comment: This sequence change replaces alanine, which is neutral and non-polar, with threonine, which is neutral and polar, at codon 183 of the AUH protein (p.Ala183Thr). This variant is present in population databases (rs548411527, gnomAD 0.008%). This variant has not been reported in the literature in individuals affected with AUH-related conditions. Algorithms developed to predict the effect of missense changes on protein structure and function (SIFT, PolyPhen-2, Align-GVGD) all suggest that this variant is likely to be disruptive. In summary, the available evidence is currently insufficient to determine the role of this variant in disease. Therefore, it has been classified as a Variant of Uncertain Significance.